The following is an entry in ClinVar:

ClinVar aggregate classification (germline): Uncertain significance. Review status: criteria provided, multiple submitters, no conflicts (2 of 4 stars). 3 submissions from 3 submitters: Uncertain significance (3). Last evaluated 2025-11-26.

Conditions:
Baller-Gerold syndrome (BGS). Also called: CRANIOSYNOSTOSIS WITH RADIAL DEFECTS. Identifiers: Orphanet 1225, MedGen C0265308, MONDO:0009039, OMIM 218600.
Inborn genetic diseases. Identifiers: MedGen C0950123, MeSH D030342.

Allele frequency attached by ClinVar (database versions not stated): TOPMed 0.00003; gnomAD 0.00004 and 0.00003; ExAC 0.00003; gnomAD exomes 0.00004.
gnomAD v4.1: 61 of 1,612,404 alleles (0.0038%); highest among the groups gnomAD compares: Non-Finnish European, 0.0047%; no homozygotes.

Submissions (3):

Labcorp Genetics (formerly Invitae), Labcorp
Classification: Uncertain significance for Baller-Gerold syndrome. Last evaluated: 2025-11-26. Review status: criteria provided, single submitter. Criteria: Invitae Variant Classification Sherloc (09022015). Collection method: clinical testing. Allele origin: germline.
Comment: This sequence change replaces proline, which is neutral and non-polar, with leucine, which is neutral and non-polar, at codon 965 of the RECQL4 protein (p.Pro965Leu). This variant is present in population databases (rs766038992, gnomAD 0.006%). This variant has not been reported in the literature in individuals affected with RECQL4-related conditions. ClinVar contains an entry for this variant (Variation ID: 529018). Invitae Evidence Modeling of protein sequence and biophysical properties (such as structural, functional, and spatial information, amino acid conservation, physicochemical variation, residue mobility, and thermodynamic stability) indicates that this missense variant is not expected to disrupt RECQL4 protein function with a negative predictive value of 80%. In summary, the available evidence is currently insufficient to determine the role of this variant in disease. Therefore, it has been classified as a Variant of Uncertain Significance.

Ambry Genetics
Classification: Uncertain significance for Inborn genetic diseases. Last evaluated: 2025-01-30. Review status: criteria provided, single submitter. Criteria: Ambry Variant Classification Scheme 2023. Collection method: clinical testing. Allele origin: germline.
Comment: The p.P965L variant (also known as c.2894C>T), located in coding exon 17 of the RECQL4 gene, results from a C to T substitution at nucleotide position 2894. The proline at codon 965 is replaced by leucine, an amino acid with similar properties. This amino acid position is conserved. In addition, this alteration is predicted to be tolerated by in silico analysis. Based on the available evidence, the clinical significance of this variant remains unclear.

Blueprint Genetics
Classification: Uncertain significance. Last evaluated: 2024-08-13. Review status: criteria provided, single submitter. Criteria: ACMG Guidelines, 2015. Collection method: clinical testing. Allele origin: germline.

NM_004260.4(RECQL4):c.2894C>T (p.Pro965Leu)

Gene: RECQL4 (RecQ like helicase 4; minus strand). Cytogenetic location: 8q24.3.
Variant type: single nucleotide variant.
Coding change: c.2894C>T on transcript NM_004260.4 (MANE Select); coding-DNA position 2894, C replaced by T.
Protein change: p.Pro965Leu; replaces proline 965 with leucine.
Molecular consequence: missense variant.
Genome position (GRCh38, 1-based): chr8:144,512,553, G>A on the plus strand (C>T on the coding strand, the complement: RECQL4 is on the minus strand). VCF-style: chr8-144512553-G-A. GRCh37 (hg19) VCF-style: chr8-145737936-G-A.
Other names: short protein forms P965L.
Identifiers: ClinVar variation 529018 (VCV000529018.11), dbSNP rs766038992, ClinGen allele CA4948009.